The following is an entry in ClinVar:

ClinVar aggregate classification (germline): Likely pathogenic. Review status: criteria provided, multiple submitters, no conflicts (2 of 4 stars). 2 submissions from 2 submitters: Likely pathogenic (2). Last evaluated 2025-06-03.

Conditions:
Usher syndrome type 1C. Also called: USHER SYNDROME, TYPE I, ACADIAN VARIETY. Identifiers: Orphanet 231169, Orphanet 886, MedGen C1848604, MONDO:0010171, OMIM 276904.

Submissions (2):

Myriad Genetics, Inc.
Classification: Likely pathogenic for Usher syndrome type 1C. Last evaluated: 2025-06-03. Review status: criteria provided, single submitter. Criteria: Myriad Autosomal Dominant, Autosomal Recessive and X-Linked Classification Criteria (2023). Collection method: clinical testing. Allele origin: unknown.
Comment: NM_005709.3(USH1C):c.387+1G>C is a variant in a canonical splice site classified as likely pathogenic in the context of USH1C-related disorders. c.387+1G>C has not been observed in cases with relevant disease. Relevant functional assessments of this variant are not available in the literature. c.387+1G>C has not been observed in referenced population frequency databases. In summary, NM_005709.3(USH1C):c.387+1G>C is a variant in a canonical splice site in a gene where loss of function is a known mechanism of disease and is predicted to disrupt protein function. Please note: this variant was assessed in the context of healthy population screening.

Labcorp Genetics (formerly Invitae), Labcorp
Classification: Likely pathogenic. Last evaluated: 2022-11-01. Review status: criteria provided, single submitter. Criteria: Invitae Variant Classification Sherloc (09022015). Collection method: clinical testing. Allele origin: germline.
Comment: Algorithms developed to predict the effect of sequence changes on RNA splicing suggest that this variant may disrupt the consensus splice site. This sequence change affects a donor splice site in intron 4 of the USH1C gene. It is expected to disrupt RNA splicing. Variants that disrupt the donor or acceptor splice site typically lead to a loss of protein function (PMID: 16199547), and loss-of-function variants in USH1C are known to be pathogenic (PMID: 10973247, 17407589, 20301442, 21203349). This variant is not present in population databases (gnomAD no frequency). This variant has not been reported in the literature in individuals affected with USH1C-related conditions. ClinVar contains an entry for this variant (Variation ID: 954322). In summary, the currently available evidence indicates that the variant is pathogenic, but additional data are needed to prove that conclusively. Therefore, this variant has been classified as Likely Pathogenic.

Literature cited by the submitters: PubMed 16199547 (cited by Labcorp Genetics (formerly Invitae), Labcorp); PubMed 10973247 (cited by Labcorp Genetics (formerly Invitae), Labcorp); PubMed 17407589 (cited by Labcorp Genetics (formerly Invitae), Labcorp); PubMed 20301442 (cited by Labcorp Genetics (formerly Invitae), Labcorp); PubMed 21203349 (cited by Labcorp Genetics (formerly Invitae), Labcorp).

NM_153676.4(USH1C):c.387+1G>C

Gene: USH1C (USH1 protein network component harmonin; minus strand). Cytogenetic location: 11p15.1.
Variant type: single nucleotide variant.
Coding change: c.387+1G>C on transcript NM_153676.4 (MANE Select); the canonical splice donor site of the intron after coding-DNA position 387, G replaced by C.
Molecular consequence: splice donor variant.
Genome position (GRCh38, 1-based): chr11:17,531,153, C>G on the plus strand (G>C on the coding strand, the complement: USH1C is on the minus strand). VCF-style: chr11-17531153-C-G. GRCh37 (hg19) VCF-style: chr11-17552700-C-G.
Other names: c.387+1G>C (NM_001297764.2, NM_005709.4).
Identifiers: ClinVar variation 954322 (VCV000954322.9), dbSNP rs1850950786, ClinGen allele CA379796583.